The following is an entry in ClinVar:

ClinVar aggregate classification (germline): Uncertain significance (1 of 4 stars; one submission).

Conditions:
Hereditary sensory and autonomic neuropathy type 6. Also called: HSAN VI; Neuropathy, hereditary sensory and autonomic, type VI. Identifiers: Orphanet 314381, MedGen C3539003, MONDO:0013839, OMIM 614653.
Epidermolysis bullosa simplex 3, localized or generalized intermediate, with BP230 deficiency (EBS3). Also called: Epidermolysis bullosa simplex due to BP230 deficiency; Epidermolysis bullosa simplex, autosomal recessive 2. Identifiers: Orphanet 412181, MedGen C3809470, MONDO:0014180, OMIM 615425.

Allele frequency attached by ClinVar (database versions not stated): ExAC 0.00001; gnomAD 0.00001; gnomAD exomes 0.00001; TOPMed 0.00001.
gnomAD v4.1: 9 of 1,613,878 alleles (0.00056%); highest among the groups gnomAD compares: East Asian, 0.0067%; no homozygotes.

Submission:

Labcorp Genetics (formerly Invitae), Labcorp
Classification: Uncertain significance for Epidermolysis bullosa simplex 3, localized or generalized intermediate, with BP230 deficiency; Hereditary sensory and autonomic neuropathy type 6. Last evaluated: 2019-01-25. Review status: criteria provided, single submitter. Criteria: Invitae Variant Classification Sherloc (09022015). Collection method: clinical testing. Allele origin: germline.
Comment: This variant is present in population databases (rs776487965, ExAC 0.01%). This variant has not been reported in the literature in individuals with DST-related conditions. Algorithms developed to predict the effect of missense changes on protein structure and function (SIFT, PolyPhen-2, Align-GVGD) all suggest that this variant is likely to be disruptive, but these predictions have not been confirmed by published functional studies and their clinical significance is uncertain. In summary, the available evidence is currently insufficient to determine the role of this variant in disease. Therefore, it has been classified as a Variant of Uncertain Significance. This sequence change replaces arginine with cysteine at codon 1125 of the DST protein (p.Arg1125Cys). The arginine residue is highly conserved and there is a large physicochemical difference between arginine and cysteine.

NM_001723.7(DST):c.3373C>T (p.Arg1125Cys)

Gene: DST (dystonin; minus strand). Cytogenetic location: 6p12.1.
Variant type: single nucleotide variant.
Coding change: c.3373C>T on transcript NM_001723.7 (MANE Plus Clinical); coding-DNA position 3373, C replaced by T.
Protein change: p.Arg1125Cys; replaces arginine 1125 with cysteine.
Molecular consequence: missense variant. On other transcripts: intron variant (10).
Genome position (GRCh38, 1-based): chr6:56,620,661, G>A on the plus strand (C>T on the coding strand, the complement: DST is on the minus strand). VCF-style: chr6-56620661-G-A. GRCh37 (hg19) VCF-style: chr6-56485459-G-A.
Other names: c.4830+3869C>T (NM_001144769.5); c.4929+3869C>T (NM_001374722.1, NM_001374736.1); c.4956+3869C>T (NM_001374734.1); c.4416+3869C>T (NM_001144770.2); c.4296+3869C>T (NM_001374730.1, NM_001386100.1, NM_183380.4 and 1 more transcripts); c.3318+3869C>T (NM_015548.5); short protein forms R1125C.
Identifiers: ClinVar variation 837940 (VCV000837940.10), dbSNP rs776487965, ClinGen allele CA3870725.